The following is an entry in ClinVar:

ClinVar aggregate classification (germline): Uncertain significance. Review status: criteria provided, multiple submitters, no conflicts (2 of 4 stars). 3 submissions from 3 submitters: Uncertain significance (3). Last evaluated 2025-05-16.

Allele frequency attached by ClinVar (database versions not stated): TOPMed 0.00001; 1000 Genomes Project 30x 0.00016; 1000 Genomes Project 0.00020.

Submissions (3):

Ambry Genetics
Classification: Uncertain significance. Last evaluated: 2025-05-16. Review status: criteria provided, single submitter. Criteria: Ambry Variant Classification Scheme 2023. Collection method: clinical testing. Allele origin: germline.

Blueprint Genetics
Classification: Uncertain significance. Last evaluated: 2023-12-13. Review status: criteria provided, single submitter. Criteria: ACMG Guidelines, 2015. Collection method: clinical testing. Allele origin: germline.

Labcorp Genetics (formerly Invitae), Labcorp
Classification: Uncertain significance. Last evaluated: 2022-10-25. Review status: criteria provided, single submitter. Criteria: Invitae Variant Classification Sherloc (09022015). Collection method: clinical testing. Allele origin: germline.
Comment: This sequence change replaces tyrosine, which is neutral and polar, with phenylalanine, which is neutral and non-polar, at codon 239 of the DHX38 protein (p.Tyr239Phe). This variant is present in population databases (rs181471020, gnomAD 0.005%). This variant has not been reported in the literature in individuals affected with DHX38-related conditions. ClinVar contains an entry for this variant (Variation ID: 855467). Algorithms developed to predict the effect of missense changes on protein structure and function (SIFT, PolyPhen-2, Align-GVGD) all suggest that this variant is likely to be tolerated. In summary, the available evidence is currently insufficient to determine the role of this variant in disease. Therefore, it has been classified as a Variant of Uncertain Significance.

NM_014003.4(DHX38):c.716A>T (p.Tyr239Phe)

Gene: DHX38 (DEAH-box helicase 38; plus strand). Cytogenetic location: 16q22.2.
Variant type: single nucleotide variant.
Coding change: c.716A>T on transcript NM_014003.4 (MANE Select); coding-DNA position 716, A replaced by T.
Protein change: p.Tyr239Phe; replaces tyrosine 239 with phenylalanine.
Molecular consequence: missense variant.
Genome position (GRCh38, 1-based): chr16:72,098,744, A>T. VCF-style: chr16-72098744-A-T. GRCh37 (hg19) VCF-style: chr16-72132643-A-T.
Other names: short protein forms Y239F.
Identifiers: ClinVar variation 855467 (VCV000855467.7), dbSNP rs181471020, ClinGen allele CA8160051.